The following is an entry in ClinVar:

ClinVar aggregate classification (germline): Uncertain significance. Review status: criteria provided, multiple submitters, no conflicts (2 of 4 stars). 3 submissions from 3 submitters: Uncertain significance (3). Last evaluated 2025-07-01.

Conditions:
Congenital primary aphakia. Also called: ANTERIOR SEGMENT DYSGENESIS 2; Anterior segment dysgenesis 2, multiple subtypes. Identifiers: Orphanet 83461, MedGen C1853230, MONDO:0012456, OMIM 610256.
Anterior segment dysgenesis. Also called: Ocular anterior segment dysgenesis. Identifiers: Orphanet 88632, MedGen C1862839, MONDO:0019503, HP:0007700.
Cardiovascular phenotype. Identifiers: MedGen CN230736.

Allele frequency attached by ClinVar (database versions not stated): gnomAD exomes below 0.00001.

Submissions (3):

Labcorp Genetics (formerly Invitae), Labcorp
Classification: Uncertain significance for Anterior segment dysgenesis; Congenital primary aphakia. Last evaluated: 2025-07-01. Review status: criteria provided, single submitter. Criteria: Invitae Variant Classification Sherloc (09022015). Collection method: clinical testing. Allele origin: germline.
Comment: This sequence change replaces arginine, which is basic and polar, with histidine, which is basic and polar, at codon 91 of the FOXE3 protein (p.Arg91His). This variant is not present in population databases (gnomAD no frequency). This variant has not been reported in the literature in individuals affected with FOXE3-related conditions. ClinVar contains an entry for this variant (Variation ID: 1977520). Invitae Evidence Modeling of protein sequence and biophysical properties (such as structural, functional, and spatial information, amino acid conservation, physicochemical variation, residue mobility, and thermodynamic stability) indicates that this missense variant is expected to disrupt FOXE3 protein function with a positive predictive value of 80%. In summary, the available evidence is currently insufficient to determine the role of this variant in disease. Therefore, it has been classified as a Variant of Uncertain Significance.

Ambry Genetics
Classification: Uncertain significance for Cardiovascular phenotype. Last evaluated: 2024-03-07. Review status: criteria provided, single submitter. Criteria: Ambry Variant Classification Scheme 2023. Collection method: clinical testing. Allele origin: germline.
Comment: The p.R91H variant (also known as c.272G>A), located in coding exon 1 of the FOXE3 gene, results from a G to A substitution at nucleotide position 272. The arginine at codon 91 is replaced by histidine, an amino acid with highly similar properties. This amino acid position is conserved. In addition, the in silico prediction for this alteration is inconclusive. Based on the available evidence, the clinical significance of this alteration remains unclear.

Blueprint Genetics
Classification: Uncertain significance. Last evaluated: 2023-06-21. Review status: criteria provided, single submitter. Criteria: ACMG Guidelines, 2015. Collection method: clinical testing. Allele origin: germline.

NM_012186.3(FOXE3):c.272G>A (p.Arg91His)

Genes: FOXE3 (forkhead box E3; plus strand), LINC01389 (long independently transcribed non-coding RNA 1389; minus strand). Cytogenetic location: 1p33.
Variant type: single nucleotide variant.
Coding change: c.272G>A on transcript NM_012186.3 (MANE Select); coding-DNA position 272, G replaced by A.
Protein change: p.Arg91His; replaces arginine 91 with histidine.
Molecular consequence: missense variant.
Genome position (GRCh38, 1-based): chr1:47,416,587, G>A. VCF-style: chr1-47416587-G-A. GRCh37 (hg19) VCF-style: chr1-47882259-G-A.
Other names: c.272G>A (NM_012186.2); short protein forms R91H.
Identifiers: ClinVar variation 1977520 (VCV001977520.7), dbSNP rs2521317079, ClinGen allele CA340249375.